The following is an entry in ClinVar:

ClinVar aggregate classification (germline): Benign/Likely benign. Review status: criteria provided, multiple submitters, no conflicts (2 of 4 stars). 4 submissions from 4 submitters: Benign (1); Likely benign (3). Last evaluated 2026-01-19.

Conditions:
Fanconi anemia complementation group J. Also called: BRIP1-Related Fanconi Anemia. Identifiers: Orphanet 84, MedGen C1836860, MONDO:0012187, OMIM 609054.
Familial cancer of breast. Also called: hereditary breast carcinoma; BREAST CANCER, FAMILIAL; Hereditary breast cancer. Identifiers: Orphanet 227535, MedGen C0346153, MONDO:0016419, OMIM 114480. Disease mechanism: loss of function.
Hereditary cancer-predisposing syndrome. Also called: Neoplastic Syndromes, Hereditary; Tumor predisposition; Hereditary Cancer Syndrome; Hereditary neoplastic syndrome. Identifiers: Orphanet 140162, MedGen C0027672, MeSH D009386, MONDO:0015356.

gnomAD v4.1: 1 of 1,613,764 alleles (0.000062%); highest among the groups gnomAD compares: Admixed American, 0.0017%; no homozygotes.

Submissions (4):

Ambry Genetics
Classification: Likely benign for Hereditary cancer-predisposing syndrome. Last evaluated: 2026-01-19. Review status: criteria provided, single submitter. Criteria: Ambry Variant Classification Scheme 2023. Collection method: clinical testing. Allele origin: germline.

Myriad Genetics, Inc.
Classification: Benign for Familial cancer of breast. Last evaluated: 2024-08-21. Review status: criteria provided, single submitter. Criteria: Myriad Autosomal Dominant, Autosomal Recessive and X-Linked Classification Criteria (2023). Collection method: clinical testing. Allele origin: unknown.
Comment: This variant is considered benign. This variant is a silent/synonymous amino acid change and it is not expected to impact splicing.

Labcorp Genetics (formerly Invitae), Labcorp
Classification: Likely benign for Familial cancer of breast; Fanconi anemia complementation group J. Last evaluated: 2023-05-31. Review status: criteria provided, single submitter. Criteria: Invitae Variant Classification Sherloc (09022015). Collection method: clinical testing. Allele origin: germline.

Color Diagnostics, LLC DBA Color Health
Classification: Likely benign for Hereditary cancer-predisposing syndrome. Last evaluated: 2021-01-26. Review status: criteria provided, single submitter. Criteria: ACMG Guidelines, 2015. Collection method: clinical testing. Allele origin: germline.

NM_032043.3(BRIP1):c.618G>C (p.Ser206=)

Gene: BRIP1 (BRCA1 interacting DNA helicase 1; minus strand). Cytogenetic location: 17q23.2.
Variant type: single nucleotide variant.
Coding change: c.618G>C on transcript NM_032043.3 (MANE Select); coding-DNA position 618, G replaced by C.
Protein change: p.Ser206=; no amino-acid change (serine 206 retained).
Molecular consequence: synonymous variant.
Genome position (GRCh38, 1-based): chr17:61,847,110, C>G on the plus strand (G>C on the coding strand, the complement: BRIP1 is on the minus strand). VCF-style: chr17-61847110-C-G. GRCh37 (hg19) VCF-style: chr17-59924471-C-G.
Identifiers: ClinVar variation 1171295 (VCV001171295.7), dbSNP rs367614726, ClinGen allele CA501150604.